The following is an entry in ClinVar:

ClinVar aggregate classification (germline): Conflicting classifications of pathogenicity. Review status: criteria provided, conflicting classifications (1 of 4 stars). 5 submissions from 5 submitters: Uncertain significance (1); Likely benign (4). Last evaluated 2026-01-20.

Conditions:
LAMA2-related muscular dystrophy (LAMA2-RD). Also called: Laminin alpha 2-related dystrophy. Identifiers: MedGen C5679788, MONDO:0100228.

Allele frequency attached by ClinVar (database versions not stated): gnomAD 0.00031; TOPMed 0.00031; ESP Exome Variant Server 0.00038; gnomAD exomes 0.00043 and 0.00051; ExAC 0.00058.
gnomAD v4.1: 785 of 1,614,088 alleles (0.049%); highest among the groups gnomAD compares: Non-Finnish European, 0.063%; 1 homozygote.

Submissions (5):

Labcorp Genetics (formerly Invitae), Labcorp
Classification: Likely benign for LAMA2-related muscular dystrophy. Last evaluated: 2026-01-20. Review status: criteria provided, single submitter. Criteria: Invitae Variant Classification Sherloc (09022015). Collection method: clinical testing. Allele origin: germline.

Mayo Clinic Laboratories, Mayo Clinic
Classification: Likely benign. Last evaluated: 2025-02-26. Review status: criteria provided, single submitter. Criteria: ACMG Guidelines, 2015. Collection method: clinical testing. Allele origin: germline. Observed: 4 variant alleles.
Comment: BP4, BP7

Blueprint Genetics
Classification: Likely benign. Last evaluated: 2024-11-26. Review status: criteria provided, single submitter. Criteria: ACMG Guidelines, 2015. Collection method: clinical testing. Allele origin: germline.

GeneDx
Classification: Likely benign. Last evaluated: 2019-03-29. Review status: criteria provided, single submitter. Criteria: GeneDx Variant Classification Process June 2021. Collection method: clinical testing. Allele origin: germline. Affected: yes.

CeGaT Center for Human Genetics Tuebingen
Classification: Uncertain significance. Last evaluated: 2016-05-01. Review status: criteria provided, single submitter. Criteria: CeGaT Center For Human Genetics Tuebingen Variant Classification Criteria Version 2. Collection method: clinical testing. Allele origin: germline. Affected: yes. Observed: 1 variant allele.

NM_000426.4(LAMA2):c.3582T>C (p.Ile1194=)

Gene: LAMA2 (laminin subunit alpha 2; plus strand). Cytogenetic location: 6q22.33.
Variant type: single nucleotide variant.
Coding change: c.3582T>C on transcript NM_000426.4 (MANE Select); coding-DNA position 3582, T replaced by C.
Protein change: p.Ile1194=; no amino-acid change (isoleucine 1194 retained).
Molecular consequence: synonymous variant.
Genome position (GRCh38, 1-based): chr6:129,315,502, T>C. VCF-style: chr6-129315502-T-C. GRCh37 (hg19) VCF-style: chr6-129636647-T-C.
Other names: p.Ile1194=; c.3582T>C, p.Ile1194= (NM_001079823.2).
Identifiers: ClinVar variation 510232 (VCV000510232.90), dbSNP rs137962409, ClinGen allele CA3993307.
Genomic context (GRCh38, chr6:129,315,502, plus strand): 5'-ATTCAGCCTTCTGCTGTATTTTGACCCCTTGCAGGTGACTCTGAAGGCTGAGCAGACCAT[T>C]CTACCCCTGGTAGATGAGGCTCTGCAGCACACGACCACCAAGGGCATTGTTTTTCAACAT-3'
Protein context (NP_000417.3, residues 1184-1204): TWVTLKAEQT[Ile1194=]LPLVDEALQH